The following is an entry in ClinVar:

ClinVar aggregate classification (germline): Uncertain significance (1 of 4 stars; one submission).

Submission:

Labcorp Genetics (formerly Invitae), Labcorp
Classification: Uncertain significance. Last evaluated: 2024-03-26. Review status: criteria provided, single submitter. Criteria: Invitae Variant Classification Sherloc (09022015). Collection method: clinical testing. Allele origin: germline.
Comment: This sequence change replaces tyrosine, which is neutral and polar, with cysteine, which is neutral and slightly polar, at codon 755 of the MICAL1 protein (p.Tyr755Cys). The frequency data for this variant in the population databases is considered unreliable, as metrics indicate poor data quality at this position in the gnomAD database. This variant has not been reported in the literature in individuals affected with MICAL1-related conditions. ClinVar contains an entry for this variant (Variation ID: 1513684). An algorithm developed to predict the effect of missense changes on protein structure and function (PolyPhen-2) suggests that this variant is likely to be disruptive. In summary, the available evidence is currently insufficient to determine the role of this variant in disease. Therefore, it has been classified as a Variant of Uncertain Significance.

NM_022765.4(MICAL1):c.2207_2208inv (p.Tyr736Cys)

Gene: MICAL1 (microtubule associated monooxygenase, calponin and LIM domain containing 1; minus strand). Cytogenetic location: 6q21.
Variant type: Inversion.
Coding change: c.2207_2208inv on transcript NM_022765.4 (MANE Select).
Protein change: p.Tyr736Cys; replaces tyrosine 736 with cysteine.
Molecular consequence: missense variant.
Genome position: GRCh38 VCF-style: chr6-109447092-GT-AC. GRCh37 (hg19) VCF-style: chr6-109768295-GT-AC.
Other names: c.1949_1950inv, p.Tyr650Cys (NM_001159291.2); c.2264_2265inv, p.Tyr755Cys (NM_001286613.2); short protein forms Y755C, Y650C, Y736C.
Identifiers: ClinVar variation 1513684 (VCV001513684.5), ClinGen allele CA2573140358.
Genomic context (GRCh38, chr6:109,447,092, plus strand): 5'-CAGGCCCAGAGTCTCTCTGGAGGTCTCCCAGGCCCACTCACCATCTCCTGGGTGCTGCTC[GT>AC]AGCCACCTGGCCACAGTGTGGCCTCACAGGTATGGCAGCGGAAGCAGCTCCGGTGGAAGA-3'
Protein context (NP_073602.3, residues 726-746): TCEATLWPGG[Tyr736Cys]EQHPGDGHFY